The following is an entry in ClinVar:

ClinVar aggregate classification (germline): Uncertain significance (1 of 4 stars; one submission).

Conditions:
Psoriasis 2. Identifiers: MedGen C1864497, MONDO:0011269, OMIM 602723.
Pityriasis rubra pilaris (PRP). Also called: Pityriasis rubra pilaris--familial type. Identifiers: Orphanet 2897, MedGen C0032027, MONDO:0100017, OMIM 173200, MONDO:0008251.

Allele frequency attached by ClinVar (database versions not stated): gnomAD exomes below 0.00001; TOPMed below 0.00001.
gnomAD v4.1: 4 of 1,613,972 alleles (0.00025%); highest among the groups gnomAD compares: Middle Eastern, 0.016%; no homozygotes.

Submission:

Labcorp Genetics (formerly Invitae), Labcorp
Classification: Uncertain significance for Pityriasis rubra pilaris; Psoriasis 2. Last evaluated: 2023-06-09. Review status: criteria provided, single submitter. Criteria: Invitae Variant Classification Sherloc (09022015). Collection method: clinical testing. Allele origin: germline.
Comment: In summary, the available evidence is currently insufficient to determine the role of this variant in disease. Therefore, it has been classified as a Variant of Uncertain Significance. Advanced modeling of protein sequence and biophysical properties (such as structural, functional, and spatial information, amino acid conservation, physicochemical variation, residue mobility, and thermodynamic stability) performed at Invitae indicates that this missense variant is expected to disrupt CARD14 protein function. This variant has not been reported in the literature in individuals affected with CARD14-related conditions. This variant is present in population databases (no rsID available, gnomAD 0.0009%). This sequence change replaces glutamine, which is neutral and polar, with proline, which is neutral and non-polar, at codon 353 of the CARD14 protein (p.Gln353Pro).

NM_001366385.1(CARD14):c.1058A>C (p.Gln353Pro)

Gene: CARD14 (caspase recruitment domain family member 14; plus strand). Cytogenetic location: 17q25.3.
Variant type: single nucleotide variant.
Coding change: c.1058A>C on transcript NM_001366385.1 (MANE Select); coding-DNA position 1058, A replaced by C.
Protein change: p.Gln353Pro; replaces glutamine 353 with proline.
Molecular consequence: missense variant. On other transcripts: non-coding transcript variant (1).
Genome position (GRCh38, 1-based): chr17:80,190,868, A>C. VCF-style: chr17-80190868-A-C. GRCh37 (hg19) VCF-style: chr17-78164667-A-C.
Other names: c.1058A>C, p.Gln353Pro (NM_001257970.1, NM_024110.4); c.347A>C, p.Gln116Pro (NM_052819.3); short protein forms Q353P, Q116P.
Identifiers: ClinVar variation 2926161 (VCV002926161.3), dbSNP rs967326749, ClinGen allele CA294865336.